The following is an entry in ClinVar:

NM_001374736.1(DST):c.19362+15_19362+18del

Gene: DST (dystonin; minus strand). Cytogenetic location: 6p12.1.
Variant type: Microsatellite.
Coding change: c.19362+15_19362+18del on transcript NM_001374736.1 (MANE Select); bases 15 to 18 of the intron after coding-DNA position 19362, 4 bases deleted (CTTA; older notation c.19362+15_19362+18delCTTA).
Molecular consequence: intron variant.
Genome position (GRCh38, 1-based): chr6:56,506,649-56,506,652, TAAG deleted on the plus strand (CTTA on the coding strand, the reverse complement: DST is on the minus strand); deleting any 4 consecutive bases within chr6:56,506,649-56,506,656 gives the same sequence; the c. name uses the placement nearest the transcript's 3' end. VCF-style (leftmost placement, unchanged base first): chr6-56506648-ATAAG-A. GRCh37 (hg19) VCF-style: chr6-56371446-ATAAG-A.
Other names: c.13005+15_13005+18del (NM_001144769.5); c.19362+15_19362+18del (NM_001374722.1); c.19389+15_19389+18del (NM_001374734.1); c.12591+15_12591+18del (NM_001144770.2); c.12144+15_12144+18del (NM_001374730.1); c.12471+15_12471+18del (NM_001386100.1, NM_183380.4); c.18402+15_18402+18del (NM_001374729.1); c.11493+15_11493+18del (NM_015548.5).
Identifiers: ClinVar variation 2153782 (VCV002153782.1), dbSNP rs768180134, ClinGen allele CA3867027.

ClinVar aggregate classification (germline): Uncertain significance (1 of 4 stars; one submission).

Conditions:
Hereditary sensory and autonomic neuropathy type 6. Also called: HSAN VI; Neuropathy, hereditary sensory and autonomic, type VI. Identifiers: Orphanet 314381, MedGen C3539003, MONDO:0013839, OMIM 614653.
Epidermolysis bullosa simplex 3, localized or generalized intermediate, with BP230 deficiency (EBS3). Also called: Epidermolysis bullosa simplex due to BP230 deficiency; Epidermolysis bullosa simplex, autosomal recessive 2. Identifiers: Orphanet 412181, MedGen C3809470, MONDO:0014180, OMIM 615425.

Submission:

Labcorp Genetics (formerly Invitae), Labcorp
Classification: Uncertain significance for Epidermolysis bullosa simplex 3, localized or generalized intermediate, with BP230 deficiency; Hereditary sensory and autonomic neuropathy type 6. Last evaluated: 2022-05-27. Review status: criteria provided, single submitter. Criteria: Invitae Variant Classification Sherloc (09022015). Collection method: clinical testing. Allele origin: germline.
Comment: The DST gene has multiple clinically relevant transcripts. This variant occurs in alternate transcript NM_015548.4, and corresponds to NM_001723.5:c.*108865_*108868del in the primary transcript. This sequence change falls in intron 57 of the DST gene. It does not directly change the encoded amino acid sequence of the DST protein. This variant is present in population databases (rs768180134, gnomAD 0.02%). This variant has not been reported in the literature in individuals affected with DST-related conditions. Experimental studies and prediction algorithms are not available or were not evaluated, and the effect of this variant on mRNA splicing is currently unknown. In summary, the available evidence is currently insufficient to determine the role of this variant in disease. Therefore, it has been classified as a Variant of Uncertain Significance.